The following is an entry in ClinVar:

ClinVar aggregate classification (germline): Likely benign (1 of 4 stars; one submission).

Submission:

CeGaT Center for Human Genetics Tuebingen
Classification: Likely benign. Last evaluated: 2025-03-01. Review status: criteria provided, single submitter. Criteria: CeGaT Center For Human Genetics Tuebingen Variant Classification Criteria Version 2. Collection method: clinical testing. Allele origin: germline. Affected: yes. Observed: 1 variant allele.
Comment: TBC1D7: PM2:Supporting, BP4, BP7

NM_016495.6(TBC1D7):c.63A>C (p.Gly21=)

Genes: TBC1D7 (TBC1 domain family member 7; minus strand), TBC1D7-LOC100130357 (TBC1D7-LOC100130357 readthrough; minus strand). Cytogenetic location: 6p24.1.
Variant type: single nucleotide variant.
Coding change: c.63A>C on transcript NM_016495.6 (MANE Select); coding-DNA position 63, A replaced by C.
Protein change: p.Gly21=; no amino-acid change (glycine 21 retained).
Molecular consequence: synonymous variant. On other transcripts: non-coding transcript variant (1).
Genome position (GRCh38, 1-based): chr6:13,326,836, T>G on the plus strand (A>C on the coding strand, the complement: TBC1D7 is on the minus strand). VCF-style: chr6-13326836-T-G. GRCh37 (hg19) VCF-style: chr6-13327068-T-G.
Other names: c.63A>C, p.Gly21= (NM_001318809.2, NM_001143964.4, NM_001143965.4 and 4 more transcripts).
Identifiers: ClinVar variation 3778389 (VCV003778389.7).